The following is an entry in ClinVar:

ClinVar aggregate classification (germline): Benign/Likely benign. Review status: criteria provided, multiple submitters, no conflicts (2 of 4 stars). 3 submissions from 3 submitters: Benign (1); Likely benign (2). Last evaluated 2026-02-01.

Allele frequency attached by ClinVar (database versions not stated): ExAC 0.00018.
gnomAD v4.1: 81 of 1,613,752 alleles (0.005%); highest among the groups gnomAD compares: Admixed American, 0.11%; no homozygotes.

Submissions (3):

Labcorp Genetics (formerly Invitae), Labcorp
Classification: Benign. Last evaluated: 2026-02-01. Review status: criteria provided, single submitter. Criteria: Invitae Variant Classification Sherloc (09022015). Collection method: clinical testing. Allele origin: germline.

Mayo Clinic Laboratories, Mayo Clinic
Classification: Likely benign. Last evaluated: 2025-10-20. Review status: criteria provided, single submitter. Criteria: ACMG Guidelines, 2015. Collection method: clinical testing. Allele origin: germline. Observed: 1 variant allele.
Comment: BS1, BP4, BP7

Blueprint Genetics
Classification: Likely benign. Last evaluated: 2024-09-24. Review status: criteria provided, single submitter. Criteria: ACMG Guidelines, 2015. Collection method: clinical testing. Allele origin: germline.

NM_018896.5(CACNA1G):c.3747C>T (p.Leu1249=)

Gene: CACNA1G (calcium voltage-gated channel subunit alpha1 G; plus strand). Cytogenetic location: 17q21.33.
Variant type: single nucleotide variant.
Coding change: c.3747C>T on transcript NM_018896.5 (MANE Select); coding-DNA position 3747, C replaced by T.
Protein change: p.Leu1249=; no amino-acid change (leucine 1249 retained).
Molecular consequence: synonymous variant. On other transcripts: non-coding transcript variant (5).
Genome position (GRCh38, 1-based): chr17:50,600,782, C>T. VCF-style: chr17-50600782-C-T. GRCh37 (hg19) VCF-style: chr17-48678143-C-T.
Other names: p.Leu1249=; c.3747C>T, p.Leu1249= (NM_001256324.2, NM_001256325.2, NM_001256326.2 and 16 more transcripts); c.3678C>T, p.Leu1226= (NM_001256332.2, NM_198376.3, NM_198379.3 and 5 more transcripts).
Identifiers: ClinVar variation 2072606 (VCV002072606.6), dbSNP rs771657096, ClinGen allele CA8652819.
Genomic context (GRCh38, chr17:50,600,782, plus strand): 5'-GCAGAGCAAAGGGGAACGGGTCCGCGCGTGGATCCGAGCCCGACTCCCTGCCTGCTGCCT[C>T]GAGCGAGACTCCTGGTCAGCCTACATCTTCCCTCCTCAGTCCAGGTAAGTGACAGGGCAG-3'
Protein context (NP_061496.2, residues 1239-1259): WIRARLPACC[Leu1249=]ERDSWSAYIF